The following is an entry in ClinVar:

NM_001123385.2(BCOR):c.4540C>T (p.Arg1514Ter)

Gene: BCOR (BCL6 corepressor; minus strand). Cytogenetic location: Xp11.4.
Variant type: single nucleotide variant.
Coding change: c.4540C>T on transcript NM_001123385.2 (MANE Select); coding-DNA position 4540, C replaced by T.
Protein change: p.Arg1514Ter; replaces arginine 1514 with a stop codon.
Molecular consequence: nonsense.
Genome position (GRCh38, 1-based): chrX:40,057,210, G>A on the plus strand (C>T on the coding strand, the complement: BCOR is on the minus strand). VCF-style: chrX-40057210-G-A. GRCh37 (hg19) VCF-style: chrX-39916463-G-A.
Other names: c.4438C>T, p.Arg1480Ter (NM_001123383.2, NM_017745.6); c.4384C>T, p.Arg1462Ter (NM_001123384.2); short protein forms R1462*, R1514*, R1480*.
Identifiers: ClinVar variation 958549 (VCV000958549.10), dbSNP rs199676230, ClinGen allele CA412735436.

ClinVar aggregate classification (germline): Pathogenic. Review status: criteria provided, multiple submitters, no conflicts (2 of 4 stars). 2 submissions from 2 submitters: Pathogenic (2). Last evaluated 2024-06-06.

Conditions:
Oculofaciocardiodental syndrome (MCOPS2). Identifiers: Orphanet 2712, MedGen C1846265, MONDO:0010261, OMIM 300166.

Submissions (2):

Labcorp Genetics (formerly Invitae), Labcorp
Classification: Pathogenic for Oculofaciocardiodental syndrome. Last evaluated: 2024-06-06. Review status: criteria provided, single submitter. Criteria: Invitae Variant Classification Sherloc (09022015). Collection method: clinical testing. Allele origin: germline.
Comment: This sequence change creates a premature translational stop signal (p.Arg1480*) in the BCOR gene. It is expected to result in an absent or disrupted protein product. Loss-of-function variants in BCOR are known to be pathogenic (PMID: 15004558, 19367324). This variant is not present in population databases (gnomAD no frequency). This premature translational stop signal has been observed in individual(s) with oculofaciocardiodental syndrome (PMID: 19367324, 22983184, 28317252). This variant is also known as c.4540C>T (p.Arg1514X). ClinVar contains an entry for this variant (Variation ID: 958549). For these reasons, this variant has been classified as Pathogenic.

GeneDx
Classification: Pathogenic. Last evaluated: 2023-11-10. Review status: criteria provided, single submitter. Criteria: GeneDx Variant Classification Process June 2021. Collection method: clinical testing. Allele origin: germline. Affected: yes.
Comment: Identified in patients with OFCD in published literature (PMID: 22983184, 19367324); Nonsense variant predicted to result in protein truncation or nonsense mediated decay in a gene for which loss of function is a known mechanism of disease; Not observed at significant frequency in large population cohorts (gnomAD); This variant is associated with the following publications: (PMID: 19367324, 27525896, 22983184, 28317252)

Literature cited by the submitters: PubMed 15004558 (cited by Labcorp Genetics (formerly Invitae), Labcorp); PubMed 19367324 (cited by Labcorp Genetics (formerly Invitae), Labcorp); PubMed 22983184 (cited by Labcorp Genetics (formerly Invitae), Labcorp); PubMed 28317252 (cited by Labcorp Genetics (formerly Invitae), Labcorp).